The following is an entry in ClinVar:

ClinVar aggregate classification (germline): Uncertain significance (1 of 4 stars; one submission).

Conditions:
Atypical glycine encephalopathy. Also called: Glycine encephalopathy with normal serum glycine. Identifiers: Orphanet 289863, MedGen C4310943, MONDO:0015010, OMIM 617301.

gnomAD v4.1: 1 of 1,614,096 alleles (0.000062%); highest among the groups gnomAD compares: South Asian, 0.0011%; no homozygotes.

Submission:

Labcorp Genetics (formerly Invitae), Labcorp
Classification: Uncertain significance for Atypical glycine encephalopathy. Last evaluated: 2024-03-07. Review status: criteria provided, single submitter. Criteria: Invitae Variant Classification Sherloc (09022015). Collection method: clinical testing. Allele origin: germline.
Comment: This sequence change replaces cysteine, which is neutral and slightly polar, with glycine, which is neutral and non-polar, at codon 293 of the SLC6A9 protein (p.Cys293Gly). This variant is not present in population databases (gnomAD no frequency). This variant has not been reported in the literature in individuals affected with SLC6A9-related conditions. An algorithm developed to predict the effect of missense changes on protein structure and function (PolyPhen-2) suggests that this variant is likely to be disruptive. In summary, the available evidence is currently insufficient to determine the role of this variant in disease. Therefore, it has been classified as a Variant of Uncertain Significance.

NM_001024845.3(SLC6A9):c.658T>G (p.Cys220Gly)

Gene: SLC6A9 (solute carrier family 6 member 9; minus strand). Cytogenetic location: 1p34.1.
Variant type: single nucleotide variant.
Coding change: c.658T>G on transcript NM_001024845.3 (MANE Select); coding-DNA position 658, T replaced by G.
Protein change: p.Cys220Gly; replaces cysteine 220 with glycine.
Molecular consequence: missense variant. On other transcripts: non-coding transcript variant (1).
Genome position (GRCh38, 1-based): chr1:44,002,918, A>C on the plus strand (T>G on the coding strand, the complement: SLC6A9 is on the minus strand). VCF-style: chr1-44002918-A-C. GRCh37 (hg19) VCF-style: chr1-44468590-A-C.
Other names: c.670T>G, p.Cys224Gly (NM_001261380.2); c.325T>G, p.Cys109Gly (NM_001328626.2, NM_001328630.2); c.595T>G, p.Cys199Gly (NM_001328627.1); c.463T>G, p.Cys155Gly (NM_001328628.1); c.658T>G, p.Cys220Gly (NM_001328629.1); c.715T>G, p.Cys239Gly (NM_006934.4); c.877T>G, p.Cys293Gly (NM_201649.4); short protein forms C155G, C224G, C239G, C109G, C199G, C293G, C220G.
Identifiers: ClinVar variation 3644978 (VCV003644978.2).